The following is an entry in ClinVar:

NM_000368.5(TSC1):c.2006T>G (p.Leu669Ter)

Gene: TSC1 (TSC complex subunit 1; minus strand). Cytogenetic location: 9q34.13.
Variant type: single nucleotide variant.
Coding change: c.2006T>G on transcript NM_000368.5 (MANE Select); coding-DNA position 2006, T replaced by G.
Protein change: p.Leu669Ter; replaces leucine 669 with a stop codon.
Molecular consequence: nonsense.
Genome position (GRCh38, 1-based): chr9:132,904,446, A>C on the plus strand (T>G on the coding strand, the complement: TSC1 is on the minus strand). VCF-style: chr9-132904446-A-C. GRCh37 (hg19) VCF-style: chr9-135779833-A-C.
Other names: c.2003T>G, p.Leu668Ter (NM_001162426.2); c.1853T>G, p.Leu618Ter (NM_001162427.2); c.1643T>G, p.Leu548Ter (NM_001362177.2); short protein forms L669*, L548*, L618*, L668*.
Identifiers: ClinVar variation 48870 (VCV000048870.11), dbSNP rs118203617, ClinGen allele CA005764.

ClinVar aggregate classification (germline): Pathogenic. Review status: criteria provided, single submitter (1 of 4 stars). 2 submissions from 2 submitters: Pathogenic (1). 1 of the submissions does not count toward it. Last evaluated 2019-06-14.

Conditions:
Tuberous sclerosis 1 (TSC1). Identifiers: Orphanet 805, MedGen C1854465, MONDO:0008612, OMIM 191100.
Tuberous sclerosis syndrome (TSC). Also called: Tuberous Sclerosis Complex; Tuberous sclerosis. Identifiers: Orphanet 805, MedGen C0041341, MONDO:0001734.

Submissions (2):

Labcorp Genetics (formerly Invitae), Labcorp
Classification: Pathogenic for Tuberous sclerosis 1. Last evaluated: 2019-06-14. Review status: criteria provided, single submitter. Criteria: Invitae Variant Classification Sherloc (09022015). Collection method: clinical testing. Allele origin: germline.
Comment: This variant is not present in population databases (ExAC no frequency). This sequence change creates a premature translational stop signal (p.Leu669*) in the TSC1 gene. It is expected to result in an absent or disrupted protein product. This variant has been reported in individuals in the Leiden Open-source Variation Database (PMID: 21520333). ClinVar contains an entry for this variant (Variation ID: 48870). For these reasons, this variant has been classified as Pathogenic. Loss-of-function variants in TSC1 are known to be pathogenic (PMID: 10227394, 17304050).

Tuberous sclerosis database (TSC1)
No classification provided. Condition: TSC. Review status: no classification provided. Criteria: Tuberous Sclerosis Database Assertion Criteria 2015. Collection method: curation. Allele origin: germline. Affected: yes. Not counted in ClinVar's aggregate classification.

Literature cited by the submitters: PubMed 21520333 (cited by Labcorp Genetics (formerly Invitae), Labcorp); PubMed 10227394 (cited by Labcorp Genetics (formerly Invitae), Labcorp); PubMed 17304050 (cited by Labcorp Genetics (formerly Invitae), Labcorp).